The following is an entry in ClinVar:

ClinVar aggregate classification (germline): Uncertain significance (1 of 4 stars; one submission).

gnomAD v4.1: 109 of 1,540,488 alleles (0.0071%); highest among the groups gnomAD compares: Non-Finnish European, 0.0096%; no homozygotes.

Submission:

Labcorp Genetics (formerly Invitae), Labcorp
Classification: Uncertain significance. Last evaluated: 2022-12-15. Review status: criteria provided, single submitter. Criteria: Invitae Variant Classification Sherloc (09022015). Collection method: clinical testing. Allele origin: germline.
Comment: This variant is present in population databases (no rsID available, gnomAD 0.003%). This variant has not been reported in the literature in individuals affected with CEACAM16-related conditions. Advanced modeling of protein sequence and biophysical properties (such as structural, functional, and spatial information, amino acid conservation, physicochemical variation, residue mobility, and thermodynamic stability) performed at Invitae indicates that this missense variant is not expected to disrupt CEACAM16 protein function. In summary, the available evidence is currently insufficient to determine the role of this variant in disease. Therefore, it has been classified as a Variant of Uncertain Significance. This sequence change replaces valine, which is neutral and non-polar, with leucine, which is neutral and non-polar, at codon 124 of the CEACAM16 protein (p.Val124Leu).

NM_001039213.4(CEACAM16):c.370G>C (p.Val124Leu)

Genes: CEACAM16-AS1 (CEACAM16, CEACAM19 and PVR antisense RNA 1; minus strand), CEACAM16 (CEA cell adhesion molecule 16, tectorial membrane component; plus strand). Cytogenetic location: 19q13.32.
Variant type: single nucleotide variant.
Coding change: c.370G>C on transcript NM_001039213.4 (MANE Select); coding-DNA position 370, G replaced by C.
Protein change: p.Val124Leu; replaces valine 124 with leucine.
Molecular consequence: missense variant.
Genome position (GRCh38, 1-based): chr19:44,703,681, G>C. VCF-style: chr19-44703681-G-C. GRCh37 (hg19) VCF-style: chr19-45206951-G-C.
Other names: short protein forms V124L.
Identifiers: ClinVar variation 2046528 (VCV002046528.4), dbSNP rs577689341, ClinGen allele CA406287852.